The following is an entry in ClinVar:

NM_018180.3(DHX32):c.849+7A>G

Gene: DHX32 (DEAH-box helicase 32 (putative); minus strand). Cytogenetic location: 10q26.2.
Variant type: single nucleotide variant.
Coding change: c.849+7A>G on transcript NM_018180.3 (MANE Select); 7 bases into the intron after coding-DNA position 849, A replaced by G.
Molecular consequence: intron variant.
Genome position (GRCh38, 1-based): chr10:125,859,596, T>C on the plus strand (A>G on the coding strand, the complement: DHX32 is on the minus strand). VCF-style: chr10-125859596-T-C. GRCh37 (hg19) VCF-style: chr10-127548165-T-C.
Identifiers: ClinVar variation 2776575 (VCV002776575.3), dbSNP rs1944172319, ClinGen allele CA933573072.

ClinVar aggregate classification (germline): Uncertain significance (1 of 4 stars; one submission).

Allele frequency attached by ClinVar (database versions not stated): gnomAD exomes below 0.00001; gnomAD 0.00001; TOPMed 0.00001.
gnomAD v4.1: 3 of 1,560,076 alleles (0.00019%); highest among the groups gnomAD compares: South Asian, 0.0025%; no homozygotes.

Submission:

Labcorp Genetics (formerly Invitae), Labcorp
Classification: Uncertain significance. Last evaluated: 2023-08-09. Review status: criteria provided, single submitter. Criteria: Invitae Variant Classification Sherloc (09022015). Collection method: clinical testing. Allele origin: germline.
Comment: This sequence change falls in intron 3 of the DHX32 gene. It does not directly change the encoded amino acid sequence of the DHX32 protein. This variant is not present in population databases (gnomAD no frequency). This variant has not been reported in the literature in individuals affected with DHX32-related conditions. Algorithms developed to predict the effect of sequence changes on RNA splicing suggest that this variant may disrupt the consensus splice site. In summary, the available evidence is currently insufficient to determine the role of this variant in disease. Therefore, it has been classified as a Variant of Uncertain Significance.